The following is an entry in ClinVar:

NM_002878.4(RAD51D):c.358A>C (p.Met120Leu)

Genes: RAD51L3-RFFL (RAD51L3-RFFL readthrough; minus strand), RAD51D (RAD51 paralog D; minus strand). Cytogenetic location: 17q12.
Variant type: single nucleotide variant.
Coding change: c.358A>C on transcript NM_002878.4 (MANE Select); coding-DNA position 358, A replaced by C.
Protein change: p.Met120Leu; replaces methionine 120 with leucine.
Molecular consequence: missense variant. On other transcripts: non-coding transcript variant (1), intron variant (1).
Genome position (GRCh38, 1-based): chr17:35,107,110, T>G on the plus strand (A>C on the coding strand, the complement: RAD51D is on the minus strand). VCF-style: chr17-35107110-T-G. GRCh37 (hg19) VCF-style: chr17-33434129-T-G.
Other names: c.418A>C, p.Met140Leu (NM_001142571.2); c.145-629A>C (NM_133629.3); short protein forms M120L, M140L.
Identifiers: ClinVar variation 232804 (VCV000232804.13), dbSNP rs876659998, ClinGen allele CA10580463.
Genomic context (GRCh38, chr17:35,107,110, plus strand): 5'-CTCCATTGGAATCTACATATAGGACGTTTTGCTGCAGGCCATGGGCCACATTTGCTGCCA[T>G]ACAGAGACATACCTGGGGGTGGGGGCATTGGATGAACTTGACACTTCAGAGAGGGTCCAG-3'
Protein context (NP_002869.3, residues 110-130): GSGKTQVCLC[Met120Leu]AANVAHGLQQ

ClinVar aggregate classification (germline): Uncertain significance. Review status: criteria provided, multiple submitters, no conflicts (2 of 4 stars). 2 submissions from 2 submitters: Uncertain significance (2). Last evaluated 2025-09-25.

Conditions:
Hereditary cancer-predisposing syndrome. Also called: Neoplastic Syndromes, Hereditary; Tumor predisposition; Hereditary Cancer Syndrome; Hereditary neoplastic syndrome. Identifiers: Orphanet 140162, MedGen C0027672, MeSH D009386, MONDO:0015356.
Breast-ovarian cancer, familial, susceptibility to, 4. Identifiers: Orphanet 145, MedGen C3280345, MONDO:0013669, OMIM 614291.

Submissions (2):

Labcorp Genetics (formerly Invitae), Labcorp
Classification: Uncertain significance for Breast-ovarian cancer, familial, susceptibility to, 4. Last evaluated: 2025-09-25. Review status: criteria provided, single submitter. Criteria: Invitae Variant Classification Sherloc (09022015). Collection method: clinical testing. Allele origin: germline.
Comment: This sequence change replaces methionine, which is neutral and non-polar, with leucine, which is neutral and non-polar, at codon 120 of the RAD51D protein (p.Met120Leu). This variant is not present in population databases (gnomAD no frequency). This variant has not been reported in the literature in individuals affected with RAD51D-related conditions. ClinVar contains an entry for this variant (Variation ID: 232804). Invitae Evidence Modeling of protein sequence and biophysical properties (such as structural, functional, and spatial information, amino acid conservation, physicochemical variation, residue mobility, and thermodynamic stability) indicates that this missense variant is not expected to disrupt RAD51D protein function with a negative predictive value of 80%. In summary, the available evidence is currently insufficient to determine the role of this variant in disease. Therefore, it has been classified as a Variant of Uncertain Significance.

Ambry Genetics
Classification: Uncertain significance for Hereditary cancer-predisposing syndrome. Last evaluated: 2025-03-06. Review status: criteria provided, single submitter. Criteria: Ambry Variant Classification Scheme 2023. Collection method: clinical testing. Allele origin: germline.
Comment: The p.M120L variant (also known as c.358A>C), located in coding exon 5 of the RAD51D gene, results from an A to C substitution at nucleotide position 358. The methionine at codon 120 is replaced by leucine, an amino acid with highly similar properties. This amino acid position is poorly conserved in available vertebrate species. In addition, this alteration is predicted to be tolerated by in silico analysis. Since supporting evidence is limited at this time, the clinical significance of this alteration remains unclear.